The following is an entry in ClinVar:

NM_022051.3(EGLN1):c.253C>G (p.Pro85Ala)

Gene: EGLN1 (egl-9 family hypoxia inducible factor 1; minus strand). Cytogenetic location: 1q42.2.
Variant type: single nucleotide variant.
Coding change: c.253C>G on transcript NM_022051.3 (MANE Select); coding-DNA position 253, C replaced by G.
Protein change: p.Pro85Ala; replaces proline 85 with alanine.
Molecular consequence: missense variant.
Genome position (GRCh38, 1-based): chr1:231,421,636, G>C on the plus strand (C>G on the coding strand, the complement: EGLN1 is on the minus strand). VCF-style: chr1-231421636-G-C. GRCh37 (hg19) VCF-style: chr1-231557382-G-C.
Other names: c.253C>G, p.Pro85Ala (NM_001377260.1, NM_001377261.1); short protein forms P85A.
Identifiers: ClinVar variation 296194 (VCV000296194.7), dbSNP rs886046111, ClinGen allele CA10609331.

ClinVar aggregate classification (germline): Uncertain significance. Review status: criteria provided, multiple submitters, no conflicts (2 of 4 stars). 2 submissions from 2 submitters: Uncertain significance (2). Last evaluated 2022-04-22.

Conditions:
Erythrocytosis, familial, 3 (ECYT3). Identifiers: Orphanet 247511, MedGen C1853286, MONDO:0012353, OMIM 609820.

Submissions (2):

Ambry Genetics
Classification: Uncertain significance. Last evaluated: 2022-04-22. Review status: criteria provided, single submitter. Criteria: Ambry Variant Classification Scheme 2023. Collection method: clinical testing. Allele origin: germline.
Comment: The p.P85A variant (also known as c.253C>G), located in coding exon 1 of the EGLN1 gene, results from a C to G substitution at nucleotide position 253. The proline at codon 85 is replaced by alanine, an amino acid with highly similar properties. This amino acid position is conserved. In addition, this alteration is predicted to be tolerated by in silico analysis. Since supporting evidence is limited at this time, the clinical significance of this alteration remains unclear.

Illumina Laboratory Services, Illumina
Classification: Uncertain significance for Erythrocytosis, familial, 3. Last evaluated: 2018-01-13. Review status: criteria provided, single submitter. Criteria: ICSL Variant Classification Criteria 13 December 2019. Collection method: clinical testing. Allele origin: germline.